The following is an entry in ClinVar:

ClinVar aggregate classification (germline): Pathogenic. Review status: criteria provided, multiple submitters, no conflicts (2 of 4 stars). 2 submissions from 2 submitters: Pathogenic (2). Last evaluated 2023-09-27.

Conditions:
Meckel-Gruber syndrome. Also called: DYSENCEPHALIA SPLANCHNOCYSTICA; GRUBER SYNDROME; Dysencephalia splachnocystica. Identifiers: Orphanet 564, MedGen C0265215, MONDO:0018921.
Joubert syndrome. Also called: JOUBERT-BOLTSHAUSER SYNDROME; Familial aplasia of the vermis. Identifiers: Orphanet 475, MedGen C5979921, MONDO:0018772.
Ciliopathy. Also called: Ciliopathies. Identifiers: Orphanet 363250, MedGen C4277690, MONDO:0005308, MeSH D000072661.

Allele frequency attached by ClinVar (database versions not stated): gnomAD exomes below 0.00001.

Submissions (2):

Myriad Genetics, Inc.
Classification: Pathogenic for Ciliopathy. Last evaluated: 2023-09-27. Review status: criteria provided, single submitter. Criteria: Myriad Autosomal Dominant, Autosomal Recessive and X-Linked Classification Criteria (2023). Collection method: clinical testing. Allele origin: unknown.
Comment: NM_017777.3(MKS1):c.111dupC(F38Lfs*21) is expected to be pathogenic in the context of MKS1-related disorders. This variant is predicted to lead to an abnormal or absent protein product due to the creation of a premature termination codon in MKS1, a gene where loss-of-function variants are known to be pathogenic. Please note: this variant was assessed in the context of healthy population screening.

Labcorp Genetics (formerly Invitae), Labcorp
Classification: Pathogenic for Joubert syndrome; Meckel-Gruber syndrome. Last evaluated: 2023-07-13. Review status: criteria provided, single submitter. Criteria: Invitae Variant Classification Sherloc (09022015). Collection method: clinical testing. Allele origin: germline.
Comment: For these reasons, this variant has been classified as Pathogenic. This variant has not been reported in the literature in individuals affected with MKS1-related conditions. This variant is present in population databases (no rsID available, gnomAD 0.0009%). This sequence change creates a premature translational stop signal (p.Phe38Leufs*21) in the MKS1 gene. It is expected to result in an absent or disrupted protein product. Loss-of-function variants in MKS1 are known to be pathogenic (PMID: 19466712, 24886560, 26490104).

Literature cited by the submitters: PubMed 19466712 (cited by Labcorp Genetics (formerly Invitae), Labcorp); PubMed 24886560 (cited by Labcorp Genetics (formerly Invitae), Labcorp); PubMed 26490104 (cited by Labcorp Genetics (formerly Invitae), Labcorp).

NM_017777.4(MKS1):c.111dup (p.Phe38fs)

Gene: MKS1 (MKS transition zone complex subunit 1; minus strand). Cytogenetic location: 17q22.
Variant type: Duplication.
Coding change: c.111dup on transcript NM_017777.4 (MANE Select); coding-DNA position 111, one base duplicated (C; older notation c.111dupC).
Protein change: p.Phe38fs; shifts the reading frame from phenylalanine 38.
Molecular consequence: frameshift variant. On other transcripts: 5 prime UTR variant (1).
Genome position (GRCh38, 1-based): chr17:58,218,699, G duplicated on the plus strand (C on the coding strand, the reverse complement: MKS1 is on the minus strand). VCF-style (leftmost placement, unchanged base first): chr17-58218698-A-AG. GRCh37 (hg19) VCF-style: chr17-56296059-A-AG.
Other names: c.-401dup (NM_001321268.2); c.111dup, p.Phe38fs (NM_001321269.2, NM_001330397.2, NM_001411113.1); short protein forms F38fs.
Identifiers: ClinVar variation 2949833 (VCV002949833.4), dbSNP rs1382382001, ClinGen allele CA626731149.